The following is an entry in ClinVar:

ClinVar aggregate classification (germline): Uncertain significance. Review status: criteria provided, multiple submitters, no conflicts (2 of 4 stars). 2 submissions from 2 submitters: Uncertain significance (2). Last evaluated 2024-12-20.

Conditions:
Familial thoracic aortic aneurysm and aortic dissection (TAAD). Also called: Thoracic aortic aneurysms and dissections. Identifiers: Orphanet 91387, MedGen C4707243, MONDO:0019625.

Submissions (2):

Ambry Genetics
Classification: Uncertain significance for Familial thoracic aortic aneurysm and aortic dissection. Last evaluated: 2024-12-20. Review status: criteria provided, single submitter. Criteria: Ambry Variant Classification Scheme 2023. Collection method: clinical testing. Allele origin: germline.
Comment: The p.H523D variant (also known as c.1567C>G), located in coding exon 7 of the TGFBR2 gene, results from a C to G substitution at nucleotide position 1567. The histidine at codon 523 is replaced by aspartic acid, an amino acid with similar properties. This amino acid position is conserved. In addition, this alteration is predicted to be deleterious by in silico analysis. Based on the available evidence, the clinical significance of this variant remains unclear.

Labcorp Genetics (formerly Invitae), Labcorp
Classification: Uncertain significance for Familial thoracic aortic aneurysm and aortic dissection. Last evaluated: 2024-03-01. Review status: criteria provided, single submitter. Criteria: Invitae Variant Classification Sherloc (09022015). Collection method: clinical testing. Allele origin: germline.
Comment: This sequence change replaces histidine, which is basic and polar, with aspartic acid, which is acidic and polar, at codon 523 of the TGFBR2 protein (p.His523Asp). This variant is present in population databases (rs775441401, gnomAD 0.0009%). This variant has not been reported in the literature in individuals affected with TGFBR2-related conditions. Advanced modeling of protein sequence and biophysical properties (such as structural, functional, and spatial information, amino acid conservation, physicochemical variation, residue mobility, and thermodynamic stability) performed at Invitae indicates that this missense variant is expected to disrupt TGFBR2 protein function with a positive predictive value of 95%. In summary, the available evidence is currently insufficient to determine the role of this variant in disease. Therefore, it has been classified as a Variant of Uncertain Significance.

NM_003242.6(TGFBR2):c.1567C>G (p.His523Asp)

Gene: TGFBR2 (transforming growth factor beta receptor 2; plus strand). Cytogenetic location: 3p24.1.
Variant type: single nucleotide variant.
Coding change: c.1567C>G on transcript NM_003242.6 (MANE Select); coding-DNA position 1567, C replaced by G.
Protein change: p.His523Asp; replaces histidine 523 with aspartic acid.
Molecular consequence: missense variant.
Genome position (GRCh38, 1-based): chr3:30,691,462, C>G. VCF-style: chr3-30691462-C-G. GRCh37 (hg19) VCF-style: chr3-30732954-C-G.
Other names: c.1642C>G, p.His548Asp (NM_001024847.3); c.1750C>G, p.His584Asp (NM_001407126.1); c.1675C>G, p.His559Asp (NM_001407127.1); c.1594C>G, p.His532Asp (NM_001407128.1); c.1570C>G, p.His524Asp (NM_001407129.1); c.1564C>G, p.His522Asp (NM_001407130.1); c.1462C>G, p.His488Asp (NM_001407132.1, NM_001407133.1, NM_001407134.1 and 2 more transcripts); c.1282C>G, p.His428Asp (NM_001407137.1); and 3 more; short protein forms H428D, H524D, H559D, H522D, H523D, H233D, H403D, H488D.
Identifiers: ClinVar variation 3635627 (VCV003635627.3).